The following is an entry in ClinVar:

NM_206933.4(USH2A):c.7605del (p.Pro2535_Val2536insTer)

Gene: USH2A (usherin; minus strand). Cytogenetic location: 1q41.
Variant type: Deletion.
Coding change: c.7605del on transcript NM_206933.4 (MANE Select); coding-DNA position 7605, one base deleted (T; older notation c.7605delT).
Protein change: p.Pro2535_Val2536insTer.
Molecular consequence: frameshift variant.
Genome position (GRCh38, 1-based): chr1:215,889,044, A deleted on the plus strand (T on the coding strand, the reverse complement: USH2A is on the minus strand). VCF-style (leftmost placement, unchanged base first): chr1-215889043-CA-C. GRCh37 (hg19) VCF-style: chr1-216062385-CA-C.
Identifiers: ClinVar variation 2760845 (VCV002760845.3), dbSNP rs2464751272, ClinGen allele CA2697554911.

ClinVar aggregate classification (germline): Pathogenic (1 of 4 stars; one submission).

Submission:

Labcorp Genetics (formerly Invitae), Labcorp
Classification: Pathogenic. Last evaluated: 2023-09-15. Review status: criteria provided, single submitter. Criteria: Invitae Variant Classification Sherloc (09022015). Collection method: clinical testing. Allele origin: germline.
Comment: This sequence change creates a premature translational stop signal (p.Val2536*) in the USH2A gene. It is expected to result in an absent or disrupted protein product. Loss-of-function variants in USH2A are known to be pathogenic (PMID: 10729113, 10909849, 20507924, 25649381). This variant is not present in population databases (gnomAD no frequency). This variant has not been reported in the literature in individuals affected with USH2A-related conditions. For these reasons, this variant has been classified as Pathogenic.

Literature cited by the submitters: PubMed 10729113; PubMed 10909849; PubMed 20507924; PubMed 25649381.